The following is an entry in ClinVar:

NM_152564.5(VPS13B):c.9827A>T (p.Tyr3276Phe)

Gene: VPS13B (vacuolar protein sorting 13 homolog B; plus strand). Cytogenetic location: 8q22.2.
Variant type: single nucleotide variant.
Coding change: c.9827A>T on transcript NM_152564.5 (MANE Select); coding-DNA position 9827, A replaced by T.
Protein change: p.Tyr3276Phe; replaces tyrosine 3276 with phenylalanine.
Molecular consequence: missense variant.
Genome position (GRCh38, 1-based): chr8:99,835,623, A>T. VCF-style: chr8-99835623-A-T. GRCh37 (hg19) VCF-style: chr8-100847851-A-T.
Other names: c.9902A>T, p.Tyr3301Phe (NM_017890.5); short protein forms Y3276F, Y3301F.
Identifiers: ClinVar variation 1412371 (VCV001412371.4), dbSNP rs563162284, ClinGen allele CA371784169.

ClinVar aggregate classification (germline): Uncertain significance. Review status: criteria provided, multiple submitters, no conflicts (2 of 4 stars). 2 submissions from 2 submitters: Uncertain significance (2). Last evaluated 2021-12-29.

Conditions:
Cohen syndrome (COH1). Also called: Cutis verticis gyrata, retinitis pigmentosa, and sensorineural deafness; PEPPER SYNDROME. Identifiers: Orphanet 193, MedGen C0265223, MONDO:0008999, OMIM 216550.

Submissions (2):

Blueprint Genetics
Classification: Uncertain significance. Last evaluated: 2021-12-29. Review status: criteria provided, single submitter. Criteria: ACMG Guidelines, 2015. Collection method: clinical testing. Allele origin: germline.

Labcorp Genetics (formerly Invitae), Labcorp
Classification: Uncertain significance for Cohen syndrome. Last evaluated: 2021-08-19. Review status: criteria provided, single submitter. Criteria: Invitae Variant Classification Sherloc (09022015). Collection method: clinical testing. Allele origin: germline.
Comment: This sequence change replaces tyrosine with phenylalanine at codon 3301 of the VPS13B protein (p.Tyr3301Phe). The tyrosine residue is moderately conserved and there is a small physicochemical difference between tyrosine and phenylalanine. This variant is not present in population databases (ExAC no frequency). This variant has not been reported in the literature in individuals affected with VPS13B-related conditions. Algorithms developed to predict the effect of missense changes on protein structure and function are either unavailable or do not agree on the potential impact of this missense change (SIFT: "Not Available"; PolyPhen-2: "Benign"; Align-GVGD: "Not Available"). In summary, the available evidence is currently insufficient to determine the role of this variant in disease. Therefore, it has been classified as a Variant of Uncertain Significance.